The following is an entry in ClinVar:

ClinVar aggregate classification (germline): Uncertain significance (1 of 4 stars; one submission).

Allele frequency attached by ClinVar (database versions not stated): gnomAD exomes below 0.00001.
gnomAD v4.1: 1 of 1,614,192 alleles (0.000062%); highest among the groups gnomAD compares: Non-Finnish European, 0.000085%; no homozygotes.

Submission:

Labcorp Genetics (formerly Invitae), Labcorp
Classification: Uncertain significance. Last evaluated: 2025-04-21. Review status: criteria provided, single submitter. Criteria: Invitae Variant Classification Sherloc (09022015). Collection method: clinical testing. Allele origin: germline.
Comment: This sequence change replaces methionine, which is neutral and non-polar, with valine, which is neutral and non-polar, at codon 2371 of the CPLANE1 protein (p.Met2371Val). This variant is not present in population databases (gnomAD no frequency). This variant has not been reported in the literature in individuals affected with CPLANE1-related conditions. ClinVar contains an entry for this variant (Variation ID: 1507481). Invitae Evidence Modeling of protein sequence and biophysical properties (such as structural, functional, and spatial information, amino acid conservation, physicochemical variation, residue mobility, and thermodynamic stability) indicates that this missense variant is not expected to disrupt CPLANE1 protein function with a negative predictive value of 95%. In summary, the available evidence is currently insufficient to determine the role of this variant in disease. Therefore, it has been classified as a Variant of Uncertain Significance.

NM_001384732.1(CPLANE1):c.7111A>G (p.Met2371Val)

Gene: CPLANE1 (ciliogenesis and planar polarity effector complex subunit 1; minus strand). Cytogenetic location: 5p13.2.
Variant type: single nucleotide variant.
Coding change: c.7111A>G on transcript NM_001384732.1 (MANE Select); coding-DNA position 7111, A replaced by G.
Protein change: p.Met2371Val; replaces methionine 2371 with valine.
Molecular consequence: missense variant.
Genome position (GRCh38, 1-based): chr5:37,168,913, T>C on the plus strand (A>G on the coding strand, the complement: CPLANE1 is on the minus strand). VCF-style: chr5-37168913-T-C. GRCh37 (hg19) VCF-style: chr5-37169015-T-C.
Other names: c.7111A>G, p.Met2371Val (NM_023073.4); short protein forms M2371V.
Identifiers: ClinVar variation 1507481 (VCV001507481.8), dbSNP rs1779013422, ClinGen allele CA359478102.